The following is an entry in ClinVar:

NM_001386795.1(DTNA):c.1912del (p.Arg638fs)

Gene: DTNA (dystrobrevin alpha; plus strand). Cytogenetic location: 18q12.1.
Variant type: Deletion.
Coding change: c.1912del on transcript NM_001386795.1 (MANE Select); coding-DNA position 1912, one base deleted (A; older notation c.1912delA).
Protein change: p.Arg638fs; shifts the reading frame from arginine 638.
Molecular consequence: frameshift variant.
Genome position (GRCh38, 1-based): chr18:34,877,727, A deleted; the last of 2 consecutive A bases (chr18:34,877,726-34,877,727); deleting either gives the same sequence. VCF-style (leftmost placement, unchanged base first): chr18-34877725-GA-G. GRCh37 (hg19) VCF-style: chr18-32457689-GA-G.
Other names: c.1651del, p.Arg551fs (NM_001198938.2, NM_001198940.2, NM_001386753.1 and 5 more transcripts); c.1672del, p.Arg558fs (NM_001198939.2); c.958del, p.Arg320fs (NM_001198942.1); c.901del, p.Arg301fs (NM_001198943.1); c.787del, p.Arg263fs (NM_001198944.1); c.1741del, p.Arg581fs (NM_001386754.1, NM_001386755.1, NM_001386756.1 and 3 more transcripts); c.1738del, p.Arg580fs (NM_001386760.1); c.1660del, p.Arg554fs (NM_001386761.1, NM_032975.4); and 5 more; short protein forms R259fs, R263fs, R301fs, R320fs, R550fs, R551fs, R553fs, R554fs.
Identifiers: ClinVar variation 3628392 (VCV003628392.2).

ClinVar aggregate classification (germline): Uncertain significance (1 of 4 stars; one submission).

Conditions:
Left ventricular noncompaction 1 (LVNC1). Also called: LEFT VENTRICULAR NONCOMPACTION 1 WITH OR WITHOUT CONGENITAL HEART DEFECTS. Identifiers: Orphanet 54260, MedGen C1858725, MONDO:0011403, OMIM 604169.

Submission:

Labcorp Genetics (formerly Invitae), Labcorp
Classification: Uncertain significance for Left ventricular noncompaction 1. Last evaluated: 2025-01-07. Review status: criteria provided, single submitter. Criteria: Invitae Variant Classification Sherloc (09022015). Collection method: clinical testing. Allele origin: germline.
Comment: This sequence change creates a premature translational stop signal (p.Arg611Glufs*3) in the DTNA gene. It is expected to result in an absent or disrupted protein product. However, the current clinical and genetic evidence is not sufficient to establish whether loss-of-function variants in DTNA cause disease. This variant is not present in population databases (gnomAD no frequency). This variant has not been reported in the literature in individuals affected with DTNA-related conditions. In summary, the available evidence is currently insufficient to determine the role of this variant in disease. Therefore, it has been classified as a Variant of Uncertain Significance.